The following is an entry in ClinVar:

NM_001927.4(DES):c.172C>T (p.Arg58Cys)

Gene: DES (desmin; plus strand). Cytogenetic location: 2q35.
Variant type: single nucleotide variant.
Coding change: c.172C>T on transcript NM_001927.4 (MANE Select); coding-DNA position 172, C replaced by T.
Protein change: p.Arg58Cys; replaces arginine 58 with cysteine.
Molecular consequence: missense variant.
Genome position (GRCh38, 1-based): chr2:219,418,634, C>T. VCF-style: chr2-219418634-C-T. GRCh37 (hg19) VCF-style: chr2-220283356-C-T.
Other names: c.172C>T, p.Arg58Cys (NM_001382708.1, NM_001382709.1, NM_001382710.1 and 3 more transcripts); short protein forms R58C.
Identifiers: ClinVar variation 1778947 (VCV001778947.2), dbSNP rs2545246399, ClinGen allele CA350683608.

ClinVar aggregate classification (germline): Uncertain significance (1 of 4 stars; one submission).

Conditions:
Cardiovascular phenotype. Identifiers: MedGen CN230736.

Allele frequency attached by ClinVar (database versions not stated): gnomAD exomes below 0.00001.
gnomAD v4.1: 1 of 1,599,710 alleles (0.000063%); highest among the groups gnomAD compares: Non-Finnish European, 0.000085%; no homozygotes.

Submission:

Ambry Genetics
Classification: Uncertain significance for Cardiovascular phenotype. Last evaluated: 2020-05-27. Review status: criteria provided, single submitter. Criteria: Ambry Variant Classification Scheme 2023. Collection method: clinical testing. Allele origin: germline.
Comment: The p.R58C variant (also known as c.172C>T), located in coding exon 1 of the DES gene, results from a C to T substitution at nucleotide position 172. The arginine at codon 58 is replaced by cysteine, an amino acid with highly dissimilar properties. This amino acid position is well conserved in available vertebrate species; however, cysteine is the reference amino acid in other vertebrate species. In addition, the in silico prediction for this alteration is inconclusive. Since supporting evidence is limited at this time, the clinical significance of this alteration remains unclear.